The following is an entry in ClinVar:

ClinVar aggregate classification (germline): Uncertain significance (1 of 4 stars; one submission).

Conditions:
DNA ligase IV deficiency. Identifiers: Orphanet 99812, MedGen C1847827, MONDO:0011686, OMIM 606593.

Allele frequency attached by ClinVar (database versions not stated): TOPMed below 0.00001.

Submission:

Labcorp Genetics (formerly Invitae), Labcorp
Classification: Uncertain significance for DNA ligase IV deficiency. Last evaluated: 2025-04-23. Review status: criteria provided, single submitter. Criteria: Invitae Variant Classification Sherloc (09022015). Collection method: clinical testing. Allele origin: germline.
Comment: This sequence change replaces isoleucine, which is neutral and non-polar, with methionine, which is neutral and non-polar, at codon 796 of the LIG4 protein (p.Ile796Met). This variant is not present in population databases (gnomAD no frequency). This variant has not been reported in the literature in individuals affected with LIG4-related conditions. ClinVar contains an entry for this variant (Variation ID: 1020554). Invitae Evidence Modeling of protein sequence and biophysical properties (such as structural, functional, and spatial information, amino acid conservation, physicochemical variation, residue mobility, and thermodynamic stability) has been performed for this missense variant. However, the output from this modeling did not meet the statistical confidence thresholds required to predict the impact of this variant on LIG4 protein function. In summary, the available evidence is currently insufficient to determine the role of this variant in disease. Therefore, it has been classified as a Variant of Uncertain Significance.

NM_206937.2(LIG4):c.2388T>G (p.Ile796Met)

Gene: LIG4 (DNA ligase 4; minus strand). Cytogenetic location: 13q33.3.
Variant type: single nucleotide variant.
Coding change: c.2388T>G on transcript NM_206937.2 (MANE Select); coding-DNA position 2388, T replaced by G.
Protein change: p.Ile796Met; replaces isoleucine 796 with methionine.
Molecular consequence: missense variant.
Genome position (GRCh38, 1-based): chr13:108,208,881, A>C on the plus strand (T>G on the coding strand, the complement: LIG4 is on the minus strand). VCF-style: chr13-108208881-A-C. GRCh37 (hg19) VCF-style: chr13-108861229-A-C.
Other names: c.2388T>G, p.Ile796Met (NM_001098268.2, NM_001352598.2, NM_001352599.2 and 6 more transcripts); c.2187T>G, p.Ile729Met (NM_001330595.2); c.2424T>G, p.Ile808Met (NM_001352604.2); short protein forms I729M, I796M, I808M.
Identifiers: ClinVar variation 1020554 (VCV001020554.7), dbSNP rs1878236738, ClinGen allele CA388613325.